The following is an entry in ClinVar:

ClinVar aggregate classification (germline): Conflicting classifications of pathogenicity. Review status: criteria provided, conflicting classifications (1 of 4 stars). 2 submissions from 2 submitters: Uncertain significance (1); Likely benign (1). Last evaluated 2024-11-05.

Conditions:
Muscular dystrophy-dystroglycanopathy (congenital with brain and eye anomalies), type A2. Also called: MUSCULAR DYSTROPHY-DYSTROGLYCANOPATHY (CONGENITAL WITH BRAIN AND EYE ANOMALIES), TYPE A, 2; WALKER-WARBURG SYNDROME OR MUSCLE-EYE-BRAIN DISEASE, POMT2-RELATED. Identifiers: Orphanet 588, Orphanet 899, MedGen C3150411, MONDO:0013154, OMIM 613150.
Autosomal recessive limb-girdle muscular dystrophy type 2N. Also called: MUSCULAR DYSTROPHY-DYSTROGLYCANOPATHY, LIMB-GIRDLE, POMT2-RELATED; Muscular dystrophy-dystroglycanopathy (limb-girdle), type C, 2. Identifiers: Orphanet 206559, MedGen C3150418, MONDO:0013162, OMIM 613158.
Muscular dystrophy-dystroglycanopathy (congenital with impaired intellectual development), type B, 2. Also called: Muscular dystrophy-dystroglycanopathy (congenital with intellectual disability), type B2; MUSCULAR DYSTROPHY, CONGENITAL, POMT2-RELATED. Identifiers: MedGen C3150416, MONDO:0013160, OMIM 613156.

Allele frequency attached by ClinVar (database versions not stated): gnomAD exomes below 0.00001.
gnomAD v4.1: 1 of 1,609,908 alleles (0.000062%); highest among the groups gnomAD compares: Admixed American, 0.0017%; no homozygotes.

Submissions (2):

Athena Diagnostics
Classification: Uncertain significance. Last evaluated: 2024-11-05. Review status: criteria provided, single submitter. Criteria: Athena Diagnostics Criteria. Collection method: clinical testing. Allele origin: unknown.
Comment: Available data are insufficient to determine the clinical significance of the variant at this time. This variant has not been reported in large, multi-ethnic general populations. Computational tools yielded predictions that this variant may interfere with normal RNA splicing.

Labcorp Genetics (formerly Invitae), Labcorp
Classification: Likely benign for Muscular dystrophy-dystroglycanopathy (congenital with impaired intellectual development), type B, 2; Muscular dystrophy-dystroglycanopathy (congenital with brain and eye anomalies), type A2; Autosomal recessive limb-girdle muscular dystrophy type 2N. Last evaluated: 2024-10-15. Review status: criteria provided, single submitter. Criteria: Invitae Variant Classification Sherloc (09022015). Collection method: clinical testing. Allele origin: germline.

NM_013382.7(POMT2):c.654C>T (p.Asp218=)

Gene: POMT2 (protein O-mannosyltransferase 2; minus strand). Cytogenetic location: 14q24.3.
Variant type: single nucleotide variant.
Coding change: c.654C>T on transcript NM_013382.7 (MANE Select); coding-DNA position 654, C replaced by T.
Protein change: p.Asp218=; no amino-acid change (aspartic acid 218 retained).
Molecular consequence: synonymous variant.
Genome position (GRCh38, 1-based): chr14:77,302,837, G>A on the plus strand (C>T on the coding strand, the complement: POMT2 is on the minus strand). VCF-style: chr14-77302837-G-A. GRCh37 (hg19) VCF-style: chr14-77769180-G-A.
Identifiers: ClinVar variation 2062202 (VCV002062202.5), dbSNP rs2503285557, ClinGen allele CA487325340.
Genomic context (GRCh38, chr14:77,302,837, plus strand): 5'-GAAATTTTGGAGTTGCCACAGCTTCCAACCCTCCCCTCCCGGGGATGGAGTTTCTGACCT[G>A]TCGGCGCAAGAGTTGTACTTGACCATGCTCAGCATGGCAGCCATGATGAAGAACATCAGG-3'
Protein context (NP_037514.2, residues 208-228): LSMVKYNSCA[Asp218=]RPFSAPWWFW